The following is an entry in ClinVar:

NM_053025.4(MYLK):c.1376G>A (p.Gly459Asp)

Gene: MYLK (myosin light chain kinase; minus strand). Cytogenetic location: 3q21.1.
Variant type: single nucleotide variant.
Coding change: c.1376G>A on transcript NM_053025.4 (MANE Select); coding-DNA position 1376, G replaced by A.
Protein change: p.Gly459Asp; replaces glycine 459 with aspartic acid.
Molecular consequence: missense variant. On other transcripts: intron variant (2).
Genome position (GRCh38, 1-based): chr3:123,733,036, C>T on the plus strand (G>A on the coding strand, the complement: MYLK is on the minus strand). VCF-style: chr3-123733036-C-T. GRCh37 (hg19) VCF-style: chr3-123451883-C-T.
Other names: c.848G>A, p.Gly283Asp (NM_001321309.2); c.1376G>A, p.Gly459Asp (NM_053027.4); c.1309+651G>A (NM_053028.4, NM_053026.4); short protein forms G283D, G459D.
Identifiers: ClinVar variation 4115052 (VCV004115052.1).

ClinVar aggregate classification (germline): Uncertain significance (1 of 4 stars; one submission).

Conditions:
Familial thoracic aortic aneurysm and aortic dissection (TAAD). Also called: Thoracic aortic aneurysms and dissections. Identifiers: Orphanet 91387, MedGen C4707243, MONDO:0019625.

Submission:

Ambry Genetics
Classification: Uncertain significance for Familial thoracic aortic aneurysm and aortic dissection. Last evaluated: 2025-07-21. Review status: criteria provided, single submitter. Criteria: Ambry Variant Classification Scheme 2023. Collection method: clinical testing. Allele origin: germline.
Comment: The p.G459D variant (also known as c.1376G>A), located in coding exon 8 of the MYLK gene, results from a G to A substitution at nucleotide position 1376. The glycine at codon 459 is replaced by aspartic acid, an amino acid with similar properties. This amino acid position is conserved. In addition, this alteration is predicted to be tolerated by in silico analysis. Based on the available evidence, the clinical significance of this variant remains unclear.